The following is an entry in ClinVar:

ClinVar aggregate classification (germline): Likely pathogenic (1 of 4 stars; one submission).

Submission:

Dasa
Classification: Likely pathogenic. Last evaluated: 2025-08-05. Review status: criteria provided, single submitter. Criteria: DASA Assertion Criteria. Collection method: clinical testing. Allele origin: germline.
Comment: NM_001372.4(DNAH9):c.8956C>T (p.Gln2986*) is a nonsense variant in DNAH9 predicted to introduce a premature termination codon and is predicted to result in an absent or altered protein product. Loss of function is an established disease mechanism for DNAH9-associated disorders. Also, this variant is absent from population databases. Based on the currently available evidence, this variant is classified as likely pathogenic.

NM_001372.4(DNAH9):c.8956C>T (p.Gln2986Ter)

Gene: DNAH9 (dynein axonemal heavy chain 9; plus strand). Cytogenetic location: 17p12.
Variant type: single nucleotide variant.
Coding change: c.8956C>T on transcript NM_001372.4 (MANE Select); coding-DNA position 8956, C replaced by T.
Protein change: p.Gln2986Ter; replaces glutamine 2986 with a stop codon.
Molecular consequence: nonsense.
Genome position (GRCh38, 1-based): chr17:11,822,543, C>T. VCF-style: chr17-11822543-C-T. GRCh37 (hg19) VCF-style: chr17-11725860-C-T.
Other names: short protein forms Q2986*.
Identifiers: ClinVar variation 4886399 (VCV004886399.2).